The following is an entry in ClinVar:

ClinVar aggregate classification (germline): Uncertain significance (1 of 4 stars; one submission).

gnomAD v4.1: 1 of 1,614,156 alleles (0.000062%); highest among the groups gnomAD compares: South Asian, 0.0011%; no homozygotes.

Submission:

Labcorp Genetics (formerly Invitae), Labcorp
Classification: Uncertain significance. Last evaluated: 2024-05-17. Review status: criteria provided, single submitter. Criteria: Invitae Variant Classification Sherloc (09022015). Collection method: clinical testing. Allele origin: germline.
Comment: This sequence change replaces threonine, which is neutral and polar, with alanine, which is neutral and non-polar, at codon 286 of the GALNT12 protein (p.Thr286Ala). This variant is not present in population databases (gnomAD no frequency). This variant has not been reported in the literature in individuals affected with GALNT12-related conditions. Advanced modeling of protein sequence and biophysical properties (such as structural, functional, and spatial information, amino acid conservation, physicochemical variation, residue mobility, and thermodynamic stability) performed at Invitae indicates that this missense variant is not expected to disrupt GALNT12 protein function with a negative predictive value of 80%. In summary, the available evidence is currently insufficient to determine the role of this variant in disease. Therefore, it has been classified as a Variant of Uncertain Significance.

NM_024642.5(GALNT12):c.856A>G (p.Thr286Ala)

Gene: GALNT12 (polypeptide N-acetylgalactosaminyltransferase 12; plus strand). Cytogenetic location: 9q22.33.
Variant type: single nucleotide variant.
Coding change: c.856A>G on transcript NM_024642.5 (MANE Select); coding-DNA position 856, A replaced by G.
Protein change: p.Thr286Ala; replaces threonine 286 with alanine.
Molecular consequence: missense variant.
Genome position (GRCh38, 1-based): chr9:98,831,896, A>G. VCF-style: chr9-98831896-A-G. GRCh37 (hg19) VCF-style: chr9-101594178-A-G.
Other names: short protein forms T286A.
Identifiers: ClinVar variation 3653703 (VCV003653703.2).
Genomic context (GRCh38, chr9:98,831,896, plus strand): 5'-GAATACCTGGGGAACTCCGGGGAGCCCCAGATCGGCGGTTTCGACTGGAGGCTGGTGTTC[A>G]CGTGGCACACAGTTCCTGAGAGGGAGAGGATACGGATGCAATCCCCCGTCGATGTCATCA-3'
Protein context (NP_078918.3, residues 276-296): IGGFDWRLVF[Thr286Ala]WHTVPERERI